The following is an entry in ClinVar:

ClinVar aggregate classification (germline): Conflicting classifications of pathogenicity. Review status: criteria provided, conflicting classifications (1 of 4 stars). 6 submissions from 6 submitters: Pathogenic (2); Likely pathogenic (1); Uncertain significance (3). Last evaluated 2026-03-09.

Conditions:
Pheochromocytoma/paraganglioma syndrome 5. Also called: Paragangliomas 5; SDHA-Related Hereditary Paraganglioma-Pheochromocytoma Syndrome. Identifiers: Orphanet 29072, MedGen C3279992, MONDO:0013602, OMIM 614165.
Mitochondrial complex II deficiency, nuclear type 1. Also called: SUCCINATE CoQ REDUCTASE DEFICIENCY. Identifiers: Orphanet 3208, MedGen C5700310, MONDO:0100294, OMIM 252011.
Hereditary cancer-predisposing syndrome. Also called: Hereditary Cancer Syndrome; Tumor predisposition; Neoplastic Syndromes, Hereditary; Hereditary neoplastic syndrome. Identifiers: Orphanet 140162, MedGen C0027672, MeSH D009386, MONDO:0015356.
Dilated cardiomyopathy 1GG (CMD1GG). Identifiers: Orphanet 154, MedGen C3150898, MONDO:0013339, OMIM 613642.

Allele frequency attached by ClinVar (database versions not stated): ExAC 0.00001; gnomAD 0.00001; gnomAD exomes 0.00001; TOPMed 0.00001.
gnomAD v4.1: 12 of 1,613,904 alleles (0.00074%); highest among the groups gnomAD compares: Admixed American, 0.0017%; no homozygotes.

Submissions (6):

Myriad Genetics, Inc.
Classification: Likely pathogenic for Pheochromocytoma/paraganglioma syndrome 5. Last evaluated: 2026-03-09. Review status: criteria provided, single submitter. Criteria: Myriad Autosomal Dominant, Autosomal Recessive and X-Linked Classification Criteria (2023). Collection method: clinical testing. Allele origin: unknown.
Comment: This variant is considered likely pathogenic. This variant is expected to disrupt protein structure [Myriad internal data]. Functional studies indicate this variant impacts protein function [PMID: 39321216]. This variant has been reported in multiple individuals with clinical features of gene-specific disease [PMID: 23797725, 28384794].

Labcorp Genetics (formerly Invitae), Labcorp
Classification: Pathogenic for Pheochromocytoma/paraganglioma syndrome 5; Mitochondrial complex II deficiency, nuclear type 1. Last evaluated: 2026-01-14. Review status: criteria provided, single submitter. Criteria: Invitae Variant Classification Sherloc (09022015). Collection method: clinical testing. Allele origin: germline.
Comment: This sequence change replaces histidine, which is basic and polar, with arginine, which is basic and polar, at codon 447 of the SDHA protein (p.His447Arg). This variant is present in population databases (rs779151375, gnomAD 0.003%). This missense change has been observed in individuals with paraganglioma and GIST (PMID: 23797725, 27011036, 28384794; internal data). ClinVar contains an entry for this variant (Variation ID: 539657). Invitae Evidence Modeling of protein sequence and biophysical properties (such as structural, functional, and spatial information, amino acid conservation, physicochemical variation, residue mobility, and thermodynamic stability) indicates that this missense variant is expected to disrupt SDHA protein function with a positive predictive value of 80%. RNA analysis performed to evaluate the impact of this missense change on mRNA splicing indicates it does not significantly alter splicing (internal data). For these reasons, this variant has been classified as Pathogenic.

CeGaT Center for Human Genetics Tuebingen
Classification: Uncertain significance. Last evaluated: 2025-01-01. Review status: criteria provided, single submitter. Criteria: CeGaT Center For Human Genetics Tuebingen Variant Classification Criteria Version 2. Collection method: clinical testing. Allele origin: germline. Affected: yes. Observed: 1 variant allele.
Comment: SDHA: PM2, PS4:Moderate, PP4

Ambry Genetics
Classification: Pathogenic for Hereditary cancer-predisposing syndrome. Last evaluated: 2024-10-28. Review status: criteria provided, single submitter. Criteria: Ambry Variant Classification Scheme 2023. Collection method: clinical testing. Allele origin: germline.
Comment: The p.H447R pathogenic mutation (also known as c.1340A>G), located in coding exon 10 of the SDHA gene, results from an A to G substitution at nucleotide position 1340. The histidine at codon 447 is replaced by arginine, an amino acid with highly similar properties. This mutation has been detected in multiple individuals with a paraganglioma or gastrointestinal stromal tumor (Mason EF et al. Am. J. Surg. Pathol., 2013 Oct;37:1612-8; Bausch B et al. JAMA Oncol, 2017 Sep;3:1204-1212; Ambry internal data). Tumors in two of the individuals showed loss of SDHA and SDHB, as well as a somatic pathogenic SDHA mutation (Mason EF et al. Am. J. Surg. Pathol., 2013 Oct;37:1612-8; Ambry internal data). This variant is considered to be rare based on population cohorts in the Genome Aggregation Database (gnomAD). This amino acid position is highly conserved in available vertebrate species. In addition, this alteration is predicted to be deleterious by in silico analysis. Based on the supporting evidence, this alteration is interpreted as a disease-causing mutation.

GeneDx
Classification: Uncertain significance. Last evaluated: 2023-11-09. Review status: criteria provided, single submitter. Criteria: GeneDx Variant Classification Process June 2021. Collection method: clinical testing. Allele origin: germline. Affected: yes.
Comment: Not observed at significant frequency in large population cohorts (gnomAD); In silico analysis supports that this missense variant has a deleterious effect on protein structure/function; This variant is associated with the following publications: (PMID: 27011036, 28384794, 29978154, 23797725, 32741965, 36980917)

Baylor Genetics
Classification: Uncertain significance for Dilated cardiomyopathy 1GG. Last evaluated: 2023-10-10. Review status: criteria provided, single submitter. Criteria: ACMG Guidelines, 2015. Collection method: clinical testing. Allele origin: unknown.

Literature cited by the submitters: PubMed 39321216 (cited by Myriad Genetics, Inc.); PubMed 23797725 (cited by 3 submitters); PubMed 28384794 (cited by 3 submitters); PubMed 27011036 (cited by Labcorp Genetics (formerly Invitae), Labcorp).

NM_004168.4(SDHA):c.1340A>G (p.His447Arg)

Gene: SDHA (succinate dehydrogenase complex flavoprotein subunit A; plus strand). Cytogenetic location: 5p15.33.
Variant type: single nucleotide variant.
Coding change: c.1340A>G on transcript NM_004168.4 (MANE Select); coding-DNA position 1340, A replaced by G.
Protein change: p.His447Arg; replaces histidine 447 with arginine.
Molecular consequence: missense variant.
Genome position (GRCh38, 1-based): chr5:236,507, A>G. VCF-style: chr5-236507-A-G. GRCh37 (hg19) VCF-style: chr5-236622-A-G.
Other names: c.1196A>G, p.His399Arg (NM_001294332.2); c.1340A>G, p.His447Arg (NM_001330758.2); short protein forms H447R, H399R.
Identifiers: ClinVar variation 539657 (VCV000539657.38), dbSNP rs779151375, ClinGen allele CA3173198.